The following is an entry in ClinVar:

ClinVar aggregate classification (germline): Uncertain significance. Review status: criteria provided, multiple submitters, no conflicts (2 of 4 stars). 2 submissions from 2 submitters: Uncertain significance (2). Last evaluated 2025-10-08.

Conditions:
Birt-Hogg-Dube syndrome. Also called: Birt Hogg Dubé syndrome. Identifiers: Orphanet 122, MedGen C0346010, MONDO:0800444.
Hereditary cancer-predisposing syndrome. Also called: Hereditary Cancer Syndrome; Tumor predisposition; Hereditary neoplastic syndrome; Neoplastic Syndromes, Hereditary. Identifiers: Orphanet 140162, MedGen C0027672, MeSH D009386, MONDO:0015356.

Submissions (2):

Ambry Genetics
Classification: Uncertain significance for Hereditary cancer-predisposing syndrome. Last evaluated: 2025-10-08. Review status: criteria provided, single submitter. Criteria: Ambry Variant Classification Scheme 2023. Collection method: clinical testing. Allele origin: germline.
Comment: The p.Y181H variant (also known as c.541T>C), located in coding exon 3 of the FLCN gene, results from a T to C substitution at nucleotide position 541. The tyrosine at codon 181 is replaced by histidine, an amino acid with similar properties. This amino acid position is highly conserved in available vertebrate species. In addition, this alteration is predicted to be deleterious by in silico analysis. Based on the available evidence, the clinical significance of this variant remains unclear.

Labcorp Genetics (formerly Invitae), Labcorp
Classification: Uncertain significance for Birt-Hogg-Dube syndrome. Last evaluated: 2024-09-12. Review status: criteria provided, single submitter. Criteria: Invitae Variant Classification Sherloc (09022015). Collection method: clinical testing. Allele origin: germline.
Comment: This sequence change replaces tyrosine, which is neutral and polar, with histidine, which is basic and polar, at codon 181 of the FLCN protein (p.Tyr181His). This variant is not present in population databases (gnomAD no frequency). This variant has not been reported in the literature in individuals affected with FLCN-related conditions. Invitae Evidence Modeling of protein sequence and biophysical properties (such as structural, functional, and spatial information, amino acid conservation, physicochemical variation, residue mobility, and thermodynamic stability) indicates that this missense variant is not expected to disrupt FLCN protein function with a negative predictive value of 80%. In summary, the available evidence is currently insufficient to determine the role of this variant in disease. Therefore, it has been classified as a Variant of Uncertain Significance.

NM_144997.7(FLCN):c.541T>C (p.Tyr181His)

Gene: FLCN (folliculin; minus strand). Cytogenetic location: 17p11.2.
Variant type: single nucleotide variant.
Coding change: c.541T>C on transcript NM_144997.7 (MANE Select); coding-DNA position 541, T replaced by C.
Protein change: p.Tyr181His; replaces tyrosine 181 with histidine.
Molecular consequence: missense variant.
Genome position (GRCh38, 1-based): chr17:17,223,999, A>G on the plus strand (T>C on the coding strand, the complement: FLCN is on the minus strand). VCF-style: chr17-17223999-A-G. GRCh37 (hg19) VCF-style: chr17-17127313-A-G.
Other names: c.595T>C, p.Tyr199His (NM_001353229.2); c.541T>C, p.Tyr181His (NM_001353230.2, NM_001353231.2, NM_144606.7); short protein forms Y199H, Y181H.
Identifiers: ClinVar variation 3666420 (VCV003666420.3).